The following is an entry in ClinVar:

ClinVar aggregate classification (germline): Uncertain significance (1 of 4 stars; one submission).

gnomAD v4.1: 12 of 1,613,868 alleles (0.00074%); highest among the groups gnomAD compares: South Asian, 0.0044%; no homozygotes.

Submission:

GeneDx
Classification: Uncertain significance. Last evaluated: 2025-02-24. Review status: criteria provided, single submitter. Criteria: GeneDx Variant Classification Process June 2021. Collection method: clinical testing. Allele origin: germline. Affected: yes.
Comment: Not observed at significant frequency in large population cohorts (gnomAD); In silico analysis supports that this missense variant has a deleterious effect on protein structure/function; Has not been previously published as pathogenic or benign to our knowledge

NM_001383.6(DPH1):c.313G>A (p.Val105Met)

Gene: DPH1 (diphthamide biosynthesis 1; plus strand). Cytogenetic location: 17p13.3.
Variant type: single nucleotide variant.
Coding change: c.313G>A on transcript NM_001383.6 (MANE Select); coding-DNA position 313, G replaced by A.
Protein change: p.Val105Met; replaces valine 105 with methionine.
Molecular consequence: missense variant. On other transcripts: non-coding transcript variant (3), intron variant (1).
Genome position (GRCh38, 1-based): chr17:2,036,004, G>A. VCF-style: chr17-2036004-G-A. GRCh37 (hg19) VCF-style: chr17-1939298-G-A.
Other names: c.328G>A, p.Val110Met (NM_001346574.1, NM_001346575.1); c.-5-525G>A (NM_001346576.2); short protein forms V105M, V110M.
Identifiers: ClinVar variation 4076544 (VCV004076544.1).